The following is an entry in ClinVar:

NM_000492.4(CFTR):c.829T>C (p.Trp277Arg)

Gene: CFTR (CF transmembrane conductance regulator; plus strand). Cytogenetic location: 7q31.2.
Variant type: single nucleotide variant.
Coding change: c.829T>C on transcript NM_000492.4 (MANE Select); coding-DNA position 829, T replaced by C.
Protein change: p.Trp277Arg; replaces tryptophan 277 with arginine.
Molecular consequence: missense variant.
Genome position (GRCh38, 1-based): chr7:117,536,633, T>C. VCF-style: chr7-117536633-T-C. GRCh37 (hg19) VCF-style: chr7-117176687-T-C.
Other names: short protein forms W277R.
Identifiers: ClinVar variation 4535677 (VCV004535677.1).
Genomic context (GRCh38, chr7:117,536,633, plus strand): 5'-GAAAGACTTGTGATTACCTCAGAAATGATTGAAAATATCCAATCTGTTAAGGCATACTGC[T>C]GGGAAGAAGCAATGGAAAAAATGATTGAAAACTTAAGACAGTAAGTTGTTCCAATAATTT-3'
Protein context (NP_000483.3, residues 267-287): ENIQSVKAYC[Trp277Arg]EEAMEKMIEN

ClinVar aggregate classification (germline): Uncertain significance (1 of 4 stars; one submission).

Submission:

Women's Health and Genetics/Laboratory Corporation of America, LabCorp
Classification: Uncertain significance. Last evaluated: 2025-09-08. Review status: criteria provided, single submitter. Criteria: LabCorp Variant Classification Summary - May 2015. Collection method: clinical testing. Allele origin: germline.
Comment: Variant summary: CFTR c.829T>C (p.Trp277Arg) results in a non-conservative amino acid change in the encoded protein sequence. Algorithms developed to predict the effect of missense changes on protein structure and function all suggest that this variant is likely to be disruptive. The variant was absent in 249156 control chromosomes (gnomAD). The available data on variant occurrences in the general population are insufficient to allow any conclusion about variant significance. c.829T>C has been observed in an individual affected with Cystic Fibrosis (Ramirez_2006). These data do not allow any conclusion about variant significance. To our knowledge, no experimental evidence demonstrating an impact on protein function has been reported. The following publication has been ascertained in the context of this evaluation (PMID: 16423550). No submitters have cited clinical-significance assessments for this variant to ClinVar. Based on the evidence outlined above, the variant was classified as uncertain significance.

Literature cited by the submitters: PubMed 16423550.